The following is an entry in ClinVar:

ClinVar aggregate classification (germline): Pathogenic (1 of 4 stars; one submission).

Conditions:
Retinitis pigmentosa 12 (RP12). Also called: RP WITH OR WITHOUT PRESERVED PARAARTERIOLE RETINAL PIGMENT EPITHELIUM; RETINITIS PIGMENTOSA WITH OR WITHOUT PARAARTERIOLAR PRESERVATION OF RETINAL PIGMENT EPITHELIUM; RP WITH OR WITHOUT PPRPE. Identifiers: Orphanet 791, MedGen C1838647, MONDO:0010818, OMIM 600105.
Leber congenital amaurosis 8 (LCA8). Identifiers: Orphanet 65, MedGen C3151202, MONDO:0013453, OMIM 613835.

Submission:

Labcorp Genetics (formerly Invitae), Labcorp
Classification: Pathogenic for Leber congenital amaurosis 8; Retinitis pigmentosa 12. Last evaluated: 2022-08-21. Review status: criteria provided, single submitter. Criteria: Invitae Variant Classification Sherloc (09022015). Collection method: clinical testing. Allele origin: germline.
Comment: For these reasons, this variant has been classified as Pathogenic. This variant has not been reported in the literature in individuals affected with CRB1-related conditions. This variant is not present in population databases (gnomAD no frequency). This sequence change creates a premature translational stop signal (p.Cys39*) in the CRB1 gene. It is expected to result in an absent or disrupted protein product. Loss-of-function variants in CRB1 are known to be pathogenic (PMID: 10508521, 22065545, 23379534, 25412400, 26957898, 28041643, 29391521).

Literature cited by the submitters: PubMed 10508521; PubMed 22065545; PubMed 23379534; PubMed 25412400; PubMed 26957898; PubMed 28041643; PubMed 29391521.

NM_201253.3(CRB1):c.117C>A (p.Cys39Ter)

Gene: CRB1 (crumbs cell polarity complex component 1; plus strand). Cytogenetic location: 1q31.3.
Variant type: single nucleotide variant.
Coding change: c.117C>A on transcript NM_201253.3 (MANE Select); coding-DNA position 117, C replaced by A.
Protein change: p.Cys39Ter; replaces cysteine 39 with a stop codon.
Molecular consequence: nonsense. On other transcripts: 5 prime UTR variant (1), non-coding transcript variant (2).
Genome position (GRCh38, 1-based): chr1:197,328,468, C>A. VCF-style: chr1-197328468-C-A. GRCh37 (hg19) VCF-style: chr1-197297598-C-A.
Other names: c.117C>A, p.Cys39Ter (NM_001193640.2, NM_001257966.2); c.-91C>A (NM_001257965.2); short protein forms C39*.
Identifiers: ClinVar variation 2025522 (VCV002025522.4), dbSNP rs2465024880, ClinGen allele CA344085056.
Genomic context (GRCh38, chr1:197,328,468, plus strand): 5'-TTATTTCCTTGTAGATTCCTTTTGCAATAAAAACAACACCAGGTGCCTCTCAAATTCTTG[C>A]CAAAACAATTCTACATGCAAAGATTTTTCAAAAGACAATGATTGTTCTTGTTCAGACACA-3'